The following is an entry in ClinVar:

ClinVar aggregate classification (germline): Likely benign (1 of 4 stars; one submission).

Allele frequency attached by ClinVar (database versions not stated): gnomAD 0.00562 and 0.00592; TOPMed 0.00594; 1000 Genomes Project 0.00739; 1000 Genomes Project 30x 0.00843.
gnomAD v4.1: 696 of 124,054 alleles (0.56%); highest among the groups gnomAD compares: African/African-American, 2%; 7 homozygotes.

Submission:

GeneDx
Classification: Likely benign. Last evaluated: 2018-06-16. Review status: criteria provided, single submitter. Criteria: GeneDx Variant Classification (06012015). Collection method: clinical testing. Allele origin: germline. Affected: yes.
Comment: This variant is considered likely benign or benign based on one or more of the following criteria: it is a conservative change, it occurs at a poorly conserved position in the protein, it is predicted to be benign by multiple in silico algorithms, and/or has population frequency not consistent with disease.

NM_000540.3(RYR1):c.2578-222G>T

Gene: RYR1 (ryanodine receptor 1; plus strand). Cytogenetic location: 19q13.2.
Variant type: single nucleotide variant.
Coding change: c.2578-222G>T on transcript NM_000540.3 (MANE Select); 222 bases into the intron before coding-DNA position 2578, G replaced by T.
Molecular consequence: intron variant.
Genome position (GRCh38, 1-based): chr19:38,463,201, G>T. VCF-style: chr19-38463201-G-T. GRCh37 (hg19) VCF-style: chr19-38953841-G-T.
Other names: c.2578-222G>T (NM_001042723.2).
Identifiers: ClinVar variation 679971 (VCV000679971.1), dbSNP rs73540974, ClinGen allele CA308073922.